The following is an entry in ClinVar:

ClinVar aggregate classification (germline): Uncertain significance. Review status: criteria provided, multiple submitters, no conflicts (2 of 4 stars). 3 submissions from 3 submitters: Uncertain significance (3). Last evaluated 2025-08-30.

Conditions:
Inborn genetic diseases. Identifiers: MedGen C0950123, MeSH D030342.

Allele frequency attached by ClinVar (database versions not stated): ExAC 0.00007; gnomAD exomes 0.00007 and 0.00013; ESP Exome Variant Server 0.00008; TOPMed 0.00011; gnomAD 0.00012 and 0.00013.
gnomAD v4.1: 218 of 1,612,974 alleles (0.014%); highest among the groups gnomAD compares: Middle Eastern, 0.082%; no homozygotes.

Submissions (3):

Ambry Genetics
Classification: Uncertain significance for Inborn genetic diseases. Last evaluated: 2025-08-30. Review status: criteria provided, single submitter. Criteria: Ambry Variant Classification Scheme 2023. Collection method: clinical testing. Allele origin: germline.

GeneDx
Classification: Uncertain significance. Last evaluated: 2022-10-06. Review status: criteria provided, single submitter. Criteria: GeneDx Variant Classification Process June 2021. Collection method: clinical testing. Allele origin: germline. Affected: yes.
Comment: In silico analysis supports that this missense variant does not alter protein structure/function; Has not been previously published as pathogenic or benign to our knowledge

Labcorp Genetics (formerly Invitae), Labcorp
Classification: Uncertain significance. Last evaluated: 2021-09-24. Review status: criteria provided, single submitter. Criteria: Invitae Variant Classification Sherloc (09022015). Collection method: clinical testing. Allele origin: germline.
Comment: This sequence change replaces alanine with threonine at codon 518 of the FUT8 protein (p.Ala518Thr). The alanine residue is moderately conserved and there is a small physicochemical difference between alanine and threonine. This variant is present in population databases (rs137899401, ExAC 0.02%). This variant has not been reported in the literature in individuals affected with FUT8-related conditions. Algorithms developed to predict the effect of missense changes on protein structure and function (SIFT, PolyPhen-2, Align-GVGD) all suggest that this variant is likely to be tolerated. In summary, the available evidence is currently insufficient to determine the role of this variant in disease. Therefore, it has been classified as a Variant of Uncertain Significance.

NM_001371533.1(FUT8):c.1552G>A (p.Ala518Thr)

Gene: FUT8 (fucosyltransferase 8; plus strand). Cytogenetic location: 14q23.3.
Variant type: single nucleotide variant.
Coding change: c.1552G>A on transcript NM_001371533.1 (MANE Select); coding-DNA position 1552, G replaced by A.
Protein change: p.Ala518Thr; replaces alanine 518 with threonine.
Molecular consequence: missense variant. On other transcripts: non-coding transcript variant (1).
Genome position (GRCh38, 1-based): chr14:65,742,234, G>A. VCF-style: chr14-65742234-G-A. GRCh37 (hg19) VCF-style: chr14-66208952-G-A.
Other names: c.1552G>A (NM_178155.2); c.1552G>A, p.Ala518Thr (NM_001371534.1, NM_178155.3, NM_178156.2); c.1654G>A, p.Ala552Thr (NM_001371536.1); c.1063G>A, p.Ala355Thr (NM_004480.4); short protein forms A552T, A355T, A518T.
Identifiers: ClinVar variation 1502738 (VCV001502738.6), dbSNP rs137899401, ClinGen allele CA7233471.
Genomic context (GRCh38, chr14:65,742,234, plus strand): 5'-TATTTTGGGGGCCAGAATGCCCACAATCAAATTGCCATTTATGCTCACCAACCCCGAACT[G>A]CAGATGAAATTCCCATGGAACCTGGAGATATCATTGGTGTGGCTGGAAATCATTGGGATG-3'
Protein context (NP_001358462.1, residues 508-528): IAIYAHQPRT[Ala518Thr]DEIPMEPGDI